The following is an entry in ClinVar:

NM_001394998.1(TANC2):c.469G>A (p.Val157Ile)

Gene: TANC2 (tetratricopeptide repeat, ankyrin repeat and coiled-coil containing 2; plus strand). Cytogenetic location: 17q23.3.
Variant type: single nucleotide variant.
Coding change: c.469G>A on transcript NM_001394998.1 (MANE Select); coding-DNA position 469, G replaced by A.
Protein change: p.Val157Ile; replaces valine 157 with isoleucine.
Molecular consequence: missense variant.
Genome position (GRCh38, 1-based): chr17:63,194,026, G>A. VCF-style: chr17-63194026-G-A. GRCh37 (hg19) VCF-style: chr17-61271387-G-A.
Other names: c.247G>A, p.Val83Ile (NM_001411076.1, NM_025185.4); short protein forms V157I, V83I.
Identifiers: ClinVar variation 4883388 (VCV004883388.2).
Genomic context (GRCh38, chr17:63,194,026, plus strand): 5'-GTTCTTCAATGCCTTCTTGTTACAGGTGATGCTGAACAGGAGCTTGGCCCCCCTCCATCT[G>A]TAGATGAGGCAGCAAACACACTCATGACTCGTCTGGGTTTCCTCCTTGGAGAGAAAGTCA-3'
Protein context (NP_001381927.1, residues 147-167): AEQELGPPPS[Val157Ile]DEAANTLMTR

ClinVar aggregate classification (germline): Uncertain significance (1 of 4 stars; one submission).

Submission:

Dasa
Classification: Uncertain significance. Last evaluated: 2025-09-09. Review status: criteria provided, single submitter. Criteria: DASA Assertion Criteria. Collection method: clinical testing. Allele origin: germline.
Comment: NM_001394998.1(TANC2):c.469G>A (p.Val157Ile) is a missense variant that results in the substitution of valine with isoleucine. This variant is absent from population databases. The currently available literature and clinical evidence are not sufficient to establish a definitive association between this variant and the reported condition. Therefore, this variant is classified as a variant of uncertain significance.